The following is an entry in ClinVar:

ClinVar aggregate classification (germline): Benign. Review status: criteria provided, single submitter (1 of 4 stars). 2 submissions from 1 submitter: Benign (2). Last evaluated 2018-01-12.

Conditions:
Tuberous sclerosis 1 (TSC1). Identifiers: Orphanet 805, MedGen C1854465, MONDO:0008612, OMIM 191100.
Isolated focal cortical dysplasia type II (FCORD2). Also called: CORTICAL DYSPLASIA OF TAYLOR; Focal cortical dysplasia type II. Identifiers: Orphanet 268994, MedGen C1846385, MONDO:0011818, OMIM 607341, HP:0032051.

Allele frequency attached by ClinVar (database versions not stated): gnomAD 0.00006 and 0.00034; 1000 Genomes Project 30x 0.00187; 1000 Genomes Project 0.00200; TOPMed 0.00009; gnomAD exomes 0.00011.

Submissions (2):

Illumina Laboratory Services, Illumina
Classification: Benign for Tuberous sclerosis 1. Last evaluated: 2018-01-12. Review status: criteria provided, single submitter. Criteria: ICSL Variant Classification Criteria 13 December 2019. Collection method: clinical testing. Allele origin: germline.
Comment: This variant was observed in the ICSL laboratory as part of a predisposition screen in an ostensibly healthy population. It had not been previously curated by ICSL or reported in the Human Gene Mutation Database (HGMD: prior to June 1st, 2018), and was therefore a candidate for classification through an automated scoring system. Utilizing variant allele frequency, disease prevalence and penetrance estimates, and inheritance mode, an automated score was calculated to assess if this variant is too frequent to cause the disease. Based on the score and internal cut-off values, a variant classified as benign is not then subjected to further curation. The score for this variant resulted in a classification of benign for this disease.

Illumina Laboratory Services, Illumina
Classification: Benign for Isolated focal cortical dysplasia type II. Last evaluated: 2018-01-12. Review status: criteria provided, single submitter. Criteria: ICSL Variant Classification Criteria 13 December 2019. Collection method: clinical testing. Allele origin: germline.
Comment: the same text as in the submission from Illumina Laboratory Services, Illumina above.

NM_000368.5(TSC1):c.*2168C>T

Gene: TSC1 (TSC complex subunit 1; minus strand). Cytogenetic location: 9q34.13.
Variant type: single nucleotide variant.
Coding change: c.*2168C>T on transcript NM_000368.5 (MANE Select); 2168 bases downstream of the stop codon, C replaced by T.
Molecular consequence: 3 prime UTR variant.
Genome position (GRCh38, 1-based): chr9:132,894,067, G>A on the plus strand (C>T on the coding strand, the complement: TSC1 is on the minus strand). VCF-style: chr9-132894067-G-A. GRCh37 (hg19) VCF-style: chr9-135769454-G-A.
Other names: c.*2168C>T (NM_001162426.2, NM_001162427.2, NM_001362177.2).
Identifiers: ClinVar variation 365459 (VCV000365459.5), dbSNP rs532469694, ClinGen allele CA10626697.